The following is an entry in ClinVar:

NM_033004.4(NLRP1):c.372G>C (p.Leu124Phe)

Gene: NLRP1 (NLR family pyrin domain containing 1; minus strand). Cytogenetic location: 17p13.2.
Variant type: single nucleotide variant.
Coding change: c.372G>C on transcript NM_033004.4 (MANE Select); coding-DNA position 372, G replaced by C.
Protein change: p.Leu124Phe; replaces leucine 124 with phenylalanine.
Molecular consequence: missense variant.
Genome position (GRCh38, 1-based): chr17:5,582,746, C>G on the plus strand (G>C on the coding strand, the complement: NLRP1 is on the minus strand). VCF-style: chr17-5582746-C-G. GRCh37 (hg19) VCF-style: chr17-5486066-C-G.
Other names: c.372G>C, p.Leu124Phe (NM_001033053.3, NM_014922.5, NM_033006.4 and 1 more transcripts); short protein forms L124F.
Identifiers: ClinVar variation 1404983 (VCV001404983.6), dbSNP rs200978321, ClinGen allele CA8327595.

ClinVar aggregate classification (germline): Uncertain significance (1 of 4 stars; one submission).

Allele frequency attached by ClinVar (database versions not stated): gnomAD 0.00001 and 0.00002; ExAC 0.00006; gnomAD exomes 0.00006.
gnomAD v4.1: 28 of 1,614,022 alleles (0.0017%); highest among the groups gnomAD compares: Admixed American, 0.035%; no homozygotes.

Submission:

Labcorp Genetics (formerly Invitae), Labcorp
Classification: Uncertain significance. Last evaluated: 2026-01-21. Review status: criteria provided, single submitter. Criteria: Invitae Variant Classification Sherloc (09022015). Collection method: clinical testing. Allele origin: germline.
Comment: This sequence change replaces leucine, which is neutral and non-polar, with phenylalanine, which is neutral and non-polar, at codon 124 of the NLRP1 protein (p.Leu124Phe). This variant is present in population databases (rs200978321, gnomAD 0.04%). This variant has not been reported in the literature in individuals affected with NLRP1-related conditions. ClinVar contains an entry for this variant (Variation ID: 1404983). An algorithm developed to predict the effect of missense changes on protein structure and function (PolyPhen-2) suggests that this variant is likely to be tolerated. In summary, the available evidence is currently insufficient to determine the role of this variant in disease. Therefore, it has been classified as a Variant of Uncertain Significance.